The following is an entry in ClinVar:

ClinVar aggregate classification (germline): Conflicting classifications of pathogenicity. Review status: criteria provided, conflicting classifications (1 of 4 stars). 16 submissions from 12 submitters: Uncertain significance (4); Benign (5); Likely benign (4). 3 of the submissions do not count toward it. Last evaluated 2026-01-27.

Conditions:
Autosomal recessive limb-girdle muscular dystrophy type 2J (LGMDR10). Also called: MUSCULAR DYSTROPHY, LIMB-GIRDLE, AUTOSOMAL RECESSIVE 10; Limb-girdle muscular dystrophy, type 2J. Identifiers: Orphanet 140922, MedGen C1837342, MONDO:0012127, OMIM 608807.
Dilated cardiomyopathy 1G (CMD1G). Identifiers: Orphanet 154, MedGen C1858763, MONDO:0011400, OMIM 604145.
Cardiomyopathy (CMYO). Also called: Cardiomyopathies. Identifiers: Orphanet 167848, MedGen C0878544, MONDO:0004994, HP:0001638. Inheritance: Various modes of inheritance.
Early-onset myopathy with fatal cardiomyopathy (CMYO5). Also called: CONGENITAL MYOPATHY 5 WITH CARDIOMYOPATHY; Salih Myopathy. Identifiers: Orphanet 289377, MedGen C2673677, MONDO:0012714, OMIM 611705. Disease mechanism: loss of function.
Myopathy, myofibrillar, 9, with early respiratory failure (MFM9). Also called: Myopathy, distal, with early respiratory failure, autosomal dominant; EDSTROM MYOPATHY; Hereditary myopathy with early respiratory failure; MYOPATHY, PROXIMAL, WITH EARLY RESPIRATORY MUSCLE INVOLVEMENT. Identifiers: Orphanet 178464, Orphanet 34521, MedGen C1863599, MONDO:0011362, OMIM 603689.
Tibial muscular dystrophy (TMD). Also called: Udd Distal Myopathy – Tibial Muscular Dystrophy; UDD MYOPATHY; Tibial muscular dystrophy, tardive. Identifiers: Orphanet 609, MedGen C1838244, MONDO:0010870, OMIM 600334.
TTN-related disorder. Also called: TTN-related condition; TTN-related disease; TTN-related disorders.

Allele frequency attached by ClinVar (database versions not stated): TOPMed 0.00003; gnomAD 0.00004 and 0.00007; gnomAD exomes 0.00004 and 0.00015; ExAC 0.00014; 1000 Genomes Project 0.00060; 1000 Genomes Project 30x 0.00062.
gnomAD v4.1: 75 of 1,585,690 alleles (0.0047%); highest among the groups gnomAD compares: East Asian, 0.058%; no homozygotes.

Submissions (16):

Labcorp Genetics (formerly Invitae), Labcorp
Classification: Benign for Dilated cardiomyopathy 1G; Autosomal recessive limb-girdle muscular dystrophy type 2J. Last evaluated: 2026-01-27. Review status: criteria provided, single submitter. Criteria: Invitae Variant Classification Sherloc (09022015). Collection method: clinical testing. Allele origin: germline.

CeGaT Center for Human Genetics Tuebingen
Classification: Likely benign. Last evaluated: 2025-09-01. Review status: criteria provided, single submitter. Criteria: CeGaT Center For Human Genetics Tuebingen Variant Classification Criteria Version 2. Collection method: clinical testing. Allele origin: germline. Affected: yes. Observed: 1 variant allele.
Comment: TTN: BP4

Molecular Diagnostic Laboratory for Inherited Cardiovascular Disease, Montreal Heart Institute
Classification: Likely benign. Last evaluated: 2025-04-09. Review status: criteria provided, single submitter. Criteria: ACMG Guidelines, 2015. Collection method: clinical testing. Allele origin: germline. Affected: no.
Comment: BS1;BP7

Blueprint Genetics
Classification: Likely benign. Last evaluated: 2024-05-03. Review status: criteria provided, single submitter. Criteria: ACMG Guidelines, 2015. Collection method: clinical testing. Allele origin: germline.

CHEO Genetics Diagnostic Laboratory, Children's Hospital of Eastern Ontario
Classification: Benign for Cardiomyopathy. Last evaluated: 2019-06-26. Review status: criteria provided, single submitter. Criteria: ACMG Guidelines, 2015. Collection method: clinical testing. Allele origin: germline.

GeneDx
Classification: Likely benign. Last evaluated: 2018-10-12. Review status: criteria provided, single submitter. Criteria: GeneDx Variant Classification Process June 2021. Collection method: clinical testing. Allele origin: germline. Affected: yes.

Athena Diagnostics
Classification: Benign. Last evaluated: 2018-08-14. Review status: criteria provided, single submitter. Criteria: Athena Diagnostics Criteria. Collection method: clinical testing. Allele origin: germline.

Eurofins Ntd Llc (ga)
Classification: Uncertain significance. Last evaluated: 2018-05-18. Review status: criteria provided, single submitter. Criteria: EGL ClinVar v180209 classification definitions. Collection method: clinical testing. Allele origin: germline. Observed: 1 variant allele, 1 heterozygote.

Illumina Laboratory Services, Illumina
Classification: Benign for Myopathy, myofibrillar, 9, with early respiratory failure. Last evaluated: 2018-01-12. Review status: criteria provided, single submitter. Criteria: ICSL Variant Classification Criteria 13 December 2019. Collection method: clinical testing. Allele origin: germline.
Comment: This variant was observed in the ICSL laboratory as part of a predisposition screen in an ostensibly healthy population. It had not been previously curated by ICSL or reported in the Human Gene Mutation Database (HGMD: prior to June 1st, 2018), and was therefore a candidate for classification through an automated scoring system. Utilizing variant allele frequency, disease prevalence and penetrance estimates, and inheritance mode, an automated score was calculated to assess if this variant is too frequent to cause the disease. Based on the score and internal cut-off values, a variant classified as benign is not then subjected to further curation. The score for this variant resulted in a classification of benign for this disease.

Illumina Laboratory Services, Illumina
Classification: Uncertain significance for Autosomal recessive limb-girdle muscular dystrophy type 2J. Last evaluated: 2018-01-12. Review status: criteria provided, single submitter. Criteria: ICSL Variant Classification Criteria 13 December 2019. Collection method: clinical testing. Allele origin: germline.

Illumina Laboratory Services, Illumina
Classification: Uncertain significance for Early-onset myopathy with fatal cardiomyopathy. Last evaluated: 2018-01-12. Review status: criteria provided, single submitter. Criteria: ICSL Variant Classification Criteria 13 December 2019. Collection method: clinical testing. Allele origin: germline.

Illumina Laboratory Services, Illumina
Classification: Benign for Tibial muscular dystrophy. Last evaluated: 2018-01-12. Review status: criteria provided, single submitter. Criteria: ICSL Variant Classification Criteria 13 December 2019. Collection method: clinical testing. Allele origin: germline.
Comment: the same text as in the submission from Illumina Laboratory Services, Illumina above.

Illumina Laboratory Services, Illumina
Classification: Uncertain significance for Dilated cardiomyopathy 1G. Last evaluated: 2018-01-12. Review status: criteria provided, single submitter. Criteria: ICSL Variant Classification Criteria 13 December 2019. Collection method: clinical testing. Allele origin: germline.

PreventionGenetics, part of Exact Sciences
Classification: Likely benign for TTN-related condition. Last evaluated: 2019-07-12. Review status: no assertion criteria provided. Collection method: clinical testing. Allele origin: germline. Not counted in ClinVar's aggregate classification.
Comment: This variant is classified as likely benign based on ACMG/AMP sequence variant interpretation guidelines (Richards et al. 2015 PMID: 25741868, with internal and published modifications).

Clinical Genetics, Academic Medical Center
Classification: Benign. Review status: no assertion criteria provided. Collection method: clinical testing. Allele origin: germline. Affected: yes. Study: VKGL Data-share Consensus. Not counted in ClinVar's aggregate classification.

Diagnostic Laboratory, Department of Genetics, University Medical Center Groningen
Classification: Likely benign. Review status: no assertion criteria provided. Collection method: clinical testing. Allele origin: germline. Affected: yes. Study: VKGL Data-share Consensus. Not counted in ClinVar's aggregate classification.

NM_001267550.2(TTN):c.16056T>C (p.Asp5352=)

Gene: TTN (titin; minus strand). Cytogenetic location: 2q31.2.
Variant type: single nucleotide variant.
Coding change: c.16056T>C on transcript NM_001267550.2 (MANE Select); coding-DNA position 16056, T replaced by C.
Protein change: p.Asp5352=; no amino-acid change (aspartic acid 5352 retained).
Molecular consequence: synonymous variant. On other transcripts: intron variant (3).
Genome position (GRCh38, 1-based): chr2:178,733,120, A>G on the plus strand (T>C on the coding strand, the complement: TTN is on the minus strand). VCF-style: chr2-178733120-A-G. GRCh37 (hg19) VCF-style: chr2-179597847-A-G.
Other names: c.16056T>C (LRG_391t1); c.15105T>C, p.Asp5035= (NM_001256850.1); c.12324T>C, p.Asp4108= (NM_133378.4); c.13282+4962T>C (NM_003319.4); c.13858+4962T>C (NM_133437.4); c.13657+4962T>C (NM_133432.3).
Identifiers: ClinVar variation 332930 (VCV000332930.37), dbSNP rs376820575, ClinGen allele CA2002100.